The following is an entry in ClinVar:

NM_002334.4(LRP4):c.1463C>T (p.Thr488Ile)

Gene: LRP4 (LDL receptor related protein 4; minus strand). Cytogenetic location: 11p11.2.
Variant type: single nucleotide variant.
Coding change: c.1463C>T on transcript NM_002334.4 (MANE Select); coding-DNA position 1463, C replaced by T.
Protein change: p.Thr488Ile; replaces threonine 488 with isoleucine.
Molecular consequence: missense variant.
Genome position (GRCh38, 1-based): chr11:46,894,666, G>A on the plus strand (C>T on the coding strand, the complement: LRP4 is on the minus strand). VCF-style: chr11-46894666-G-A. GRCh37 (hg19) VCF-style: chr11-46916217-G-A.
Other names: short protein forms T488I.
Identifiers: ClinVar variation 4857273 (VCV004857273.1).

ClinVar aggregate classification (germline): Uncertain significance (1 of 4 stars; one submission).

Conditions:
Cenani-Lenz syndactyly syndrome. Also called: CENANI SYNDACTYLISM; SYNDACTYLY, TYPE VII. Identifiers: Orphanet 3258, MedGen C1859309, MONDO:0008931, OMIM 212780.

Submission:

MVZ Medizinische Genetik Mainz
Classification: Uncertain significance for Cenani-Lenz syndactyly syndrome. Last evaluated: 2026-06-11. Review status: criteria provided, single submitter. Criteria: UK Practice Guidelines For Variant Classification V4 01 2020. Collection method: clinical testing. Allele origin: germline. Inheritance: Autosomal recessive inheritance. Affected: yes. Observed: 1 variant allele.
Comment: ACMG Criteria: PP3_SUP,PM1_SUP,PM6_SUP,PM2_SUP,PP3_MOD,PP4